The following is an entry in ClinVar:

ClinVar aggregate classification (germline): Uncertain significance (1 of 4 stars; one submission).

Allele frequency attached by ClinVar (database versions not stated): gnomAD 0.00001; TOPMed 0.00002; gnomAD exomes 0.00004 and 0.00006; ExAC 0.00007.
gnomAD v4.1: 28 of 1,613,688 alleles (0.0017%); highest among the groups gnomAD compares: East Asian, 0.062%; no homozygotes.

Submission:

Labcorp Genetics (formerly Invitae), Labcorp
Classification: Uncertain significance. Last evaluated: 2021-08-12. Review status: criteria provided, single submitter. Criteria: Invitae Variant Classification Sherloc (09022015). Collection method: clinical testing. Allele origin: germline.
Comment: This sequence change replaces tryptophan with glycine at codon 1152 of the LAMC3 protein (p.Trp1152Gly). The tryptophan residue is moderately conserved and there is a large physicochemical difference between tryptophan and glycine. This variant is present in population databases (rs776729414, ExAC 0.09%). This variant has not been reported in the literature in individuals affected with LAMC3-related conditions. Algorithms developed to predict the effect of missense changes on protein structure and function are either unavailable or do not agree on the potential impact of this missense change (SIFT: "Deleterious"; PolyPhen-2: "Benign"; Align-GVGD: "Class C0"). In summary, the available evidence is currently insufficient to determine the role of this variant in disease. Therefore, it has been classified as a Variant of Uncertain Significance.

NM_006059.4(LAMC3):c.3454T>G (p.Trp1152Gly)

Gene: LAMC3 (laminin subunit gamma 3; plus strand). Cytogenetic location: 9q34.12.
Variant type: single nucleotide variant.
Coding change: c.3454T>G on transcript NM_006059.4 (MANE Select); coding-DNA position 3454, T replaced by G.
Protein change: p.Trp1152Gly; replaces tryptophan 1152 with glycine.
Molecular consequence: missense variant.
Genome position (GRCh38, 1-based): chr9:131,073,281, T>G. VCF-style: chr9-131073281-T-G. GRCh37 (hg19) VCF-style: chr9-133948668-T-G.
Other names: short protein forms W1152G.
Identifiers: ClinVar variation 1486372 (VCV001486372.4), dbSNP rs776729414, ClinGen allele CA5287796.
Genomic context (GRCh38, chr9:131,073,281, plus strand): 5'-CTCCTCTTCCTCTTCTTTCTACAGGAGATTCCTCAGGAAGGTCCCAGTCAGCCGACCAAA[T>G]GGAGCCACCTGGCCACAGAGGCCCGTGCCCTCGCCAGGAGGTGAGTCCCAAGACATGGTG-3'
Protein context (NP_006050.3, residues 1142-1162): PQEGPSQPTK[Trp1152Gly]SHLATEARAL